The following is an entry in ClinVar:

ClinVar aggregate classification (germline): Uncertain significance. Review status: criteria provided, multiple submitters, no conflicts (2 of 4 stars). 3 submissions from 3 submitters: Uncertain significance (2). 1 of the submissions does not count toward it. Last evaluated 2024-03-07.

Conditions:
Nemaline myopathy 2 (NEM2). Also called: Nemaline myopathy 2, autosomal recessive. Identifiers: MedGen C1850569, MONDO:0009725, OMIM 256030.

Submissions (3):

Women's Health and Genetics/Laboratory Corporation of America, LabCorp
Classification: Uncertain significance. Last evaluated: 2024-03-07. Review status: criteria provided, single submitter. Criteria: LabCorp Variant Classification Summary - May 2015. Collection method: clinical testing. Allele origin: germline.
Comment: Variant summary: NEB c.22112C>T (p.Pro7371Leu) results in a non-conservative amino acid change in the encoded protein sequence. Four of five in-silico tools predict a damaging effect of the variant on protein function. The variant was absent in 248808 control chromosomes. The available data on variant occurrences in the general population are insufficient to allow any conclusion about variant significance. To our knowledge, no occurrence of c.22112C>T in individuals affected with Nemaline Myopathy 2 and no experimental evidence demonstrating its impact on protein function have been reported. ClinVar contains an entry for this variant (Variation ID: 571729). Based on the evidence outlined above, the variant was classified as uncertain significance.

Labcorp Genetics (formerly Invitae), Labcorp
Classification: Uncertain significance for Nemaline myopathy 2. Last evaluated: 2021-08-27. Review status: criteria provided, single submitter. Criteria: Invitae Variant Classification Sherloc (09022015). Collection method: clinical testing. Allele origin: germline.
Comment: This sequence change replaces proline with leucine at codon 7371 of the NEB protein (p.Pro7371Leu). The proline residue is moderately conserved and there is a moderate physicochemical difference between proline and leucine. This variant is not present in population databases (ExAC no frequency). This variant has not been reported in the literature in individuals affected with NEB-related conditions. Algorithms developed to predict the effect of missense changes on protein structure and function are either unavailable or do not agree on the potential impact of this missense change (SIFT: "Deleterious"; PolyPhen-2: "Not Available"; Align-GVGD: "Class C0"). In summary, the available evidence is currently insufficient to determine the role of this variant in disease. Therefore, it has been classified as a Variant of Uncertain Significance.

Natera, Inc.
Classification: Uncertain significance for Nemaline myopathy type 2. Last evaluated: 2021-09-29. Review status: no assertion criteria provided. Collection method: clinical testing. Allele origin: germline. Not counted in ClinVar's aggregate classification.

NM_001164508.2(NEB):c.22007C>T (p.Pro7336Leu)

Genes: NEB (nebulin; minus strand), RIF1 (replication timing regulatory factor 1; plus strand). Cytogenetic location: 2q23.3.
Variant type: single nucleotide variant.
Coding change: c.22007C>T on transcript NM_001164508.2 (MANE Select); coding-DNA position 22007, C replaced by T.
Protein change: p.Pro7336Leu; replaces proline 7336 with leucine.
Molecular consequence: missense variant.
Genome position (GRCh38, 1-based): chr2:151,526,201, G>A on the plus strand (C>T on the coding strand, the complement: NEB is on the minus strand). VCF-style: chr2-151526201-G-A. GRCh37 (hg19) VCF-style: chr2-152382715-G-A.
Other names: c.22007C>T, p.Pro7336Leu (NM_001164507.2); c.22112C>T, p.Pro7371Leu (NM_001271208.2); c.16904C>T, p.Pro5635Leu (NM_004543.5); short protein forms P7371L, P5635L, P7336L.
Identifiers: ClinVar variation 571729 (VCV000571729.13), dbSNP rs1559547106, ClinGen allele CA348766830.